The following is an entry in ClinVar:

NM_001282531.3(ADNP):c.2701C>T (p.Pro901Ser)

Gene: ADNP (activity dependent neuroprotector homeobox; minus strand). Cytogenetic location: 20q13.13.
Variant type: single nucleotide variant.
Coding change: c.2701C>T on transcript NM_001282531.3 (MANE Select); coding-DNA position 2701, C replaced by T.
Protein change: p.Pro901Ser; replaces proline 901 with serine.
Molecular consequence: missense variant.
Genome position (GRCh38, 1-based): chr20:50,892,013, G>A on the plus strand (C>T on the coding strand, the complement: ADNP is on the minus strand). VCF-style: chr20-50892013-G-A. GRCh37 (hg19) VCF-style: chr20-49508550-G-A.
Other names: c.2701C>T, p.Pro901Ser (NM_001282532.2, NM_001347511.2, NM_015339.5 and 1 more transcripts); short protein forms P901S.
Identifiers: ClinVar variation 1977897 (VCV001977897.5), dbSNP rs1273701290, ClinGen allele CA408968209.
Genomic context (GRCh38, chr20:50,892,013, plus strand): 5'-AAGCATCCTCAGGAATTACCTTCAGTACATGTTCCTCTGGGTTATCGTTAGAGATTTTAG[G>A]TTCAACTTCAAAAACAGGGTCAAAAGGGCTACCACTTTCATTGGATTCTTCTTCCAAATT-3'
Protein context (NP_001269460.1, residues 891-911): SPFDPVFEVE[Pro901Ser]KISNDNPEEH

ClinVar aggregate classification (germline): Uncertain significance (1 of 4 stars; one submission).

gnomAD v4.1: 13 of 1,614,064 alleles (0.00081%); highest among the groups gnomAD compares: African/African-American, 0.004%; no homozygotes.

Submission:

Labcorp Genetics (formerly Invitae), Labcorp
Classification: Uncertain significance. Last evaluated: 2024-03-04. Review status: criteria provided, single submitter. Criteria: Invitae Variant Classification Sherloc (09022015). Collection method: clinical testing. Allele origin: germline.
Comment: This sequence change replaces proline, which is neutral and non-polar, with serine, which is neutral and polar, at codon 901 of the ADNP protein (p.Pro901Ser). This variant is present in population databases (no rsID available, gnomAD 0.0009%). This variant has not been reported in the literature in individuals affected with ADNP-related conditions. ClinVar contains an entry for this variant (Variation ID: 1977897). Algorithms developed to predict the effect of missense changes on protein structure and function output the following: SIFT: "Not Available"; PolyPhen-2: "Benign"; Align-GVGD: "Not Available". The serine amino acid residue is found in multiple mammalian species, which suggests that this missense change does not adversely affect protein function. In summary, the available evidence is currently insufficient to determine the role of this variant in disease. Therefore, it has been classified as a Variant of Uncertain Significance.